The following is an entry in ClinVar:

ClinVar aggregate classification (germline): Uncertain significance (1 of 4 stars; one submission).

Conditions:
Cone-rod dystrophy 13 (CORD13). Identifiers: Orphanet 1872, MedGen C2750720, MONDO:0011987, OMIM 608194.
Leber congenital amaurosis 6 (LCA6). Identifiers: Orphanet 65, MedGen C1854260, MONDO:0013446, OMIM 613826.

Allele frequency attached by ClinVar (database versions not stated): ExAC 0.00001; gnomAD 0.00001; TOPMed 0.00001; gnomAD exomes 0.00002.
gnomAD v4.1: 8 of 1,613,890 alleles (0.0005%); highest among the groups gnomAD compares: South Asian, 0.0033%; no homozygotes.

Submission:

Labcorp Genetics (formerly Invitae), Labcorp
Classification: Uncertain significance for Leber congenital amaurosis 6; Cone-rod dystrophy 13. Last evaluated: 2025-01-06. Review status: criteria provided, single submitter. Criteria: Invitae Variant Classification Sherloc (09022015). Collection method: clinical testing. Allele origin: germline.
Comment: This sequence change replaces histidine, which is basic and polar, with arginine, which is basic and polar, at codon 633 of the RPGRIP1 protein (p.His633Arg). This variant is present in population databases (rs774019346, gnomAD 0.006%). This variant has not been reported in the literature in individuals affected with RPGRIP1-related conditions. ClinVar contains an entry for this variant (Variation ID: 1382745). Invitae Evidence Modeling of protein sequence and biophysical properties (such as structural, functional, and spatial information, amino acid conservation, physicochemical variation, residue mobility, and thermodynamic stability) indicates that this missense variant is expected to disrupt RPGRIP1 protein function with a positive predictive value of 80%. In summary, the available evidence is currently insufficient to determine the role of this variant in disease. Therefore, it has been classified as a Variant of Uncertain Significance.

NM_020366.4(RPGRIP1):c.1898A>G (p.His633Arg)

Gene: RPGRIP1 (RPGR interacting protein 1; plus strand). Cytogenetic location: 14q11.2.
Variant type: single nucleotide variant.
Coding change: c.1898A>G on transcript NM_020366.4 (MANE Select); coding-DNA position 1898, A replaced by G.
Protein change: p.His633Arg; replaces histidine 633 with arginine.
Molecular consequence: missense variant. On other transcripts: intron variant (4).
Genome position (GRCh38, 1-based): chr14:21,324,753, A>G. VCF-style: chr14-21324753-A-G. GRCh37 (hg19) VCF-style: chr14-21792912-A-G.
Other names: c.824A>G, p.His275Arg (NM_001377948.1); c.796+28A>G (NM_001377949.1); c.688+2749A>G (NM_001377523.1, NM_001377950.1); c.190+2749A>G (NM_001377951.1); short protein forms H275R, H633R.
Identifiers: ClinVar variation 1382745 (VCV001382745.8), dbSNP rs774019346, ClinGen allele CA7089116.